The following is an entry in ClinVar:

ClinVar aggregate classification (germline): Uncertain significance (1 of 4 stars; one submission).

gnomAD v4.1: 14 of 1,209,723 alleles (0.0012%); highest among the groups gnomAD compares: Non-Finnish European, 0.0016%; no homozygotes.

Submission:

Labcorp Genetics (formerly Invitae), Labcorp
Classification: Uncertain significance. Last evaluated: 2024-04-08. Review status: criteria provided, single submitter. Criteria: Invitae Variant Classification Sherloc (09022015). Collection method: clinical testing. Allele origin: germline.
Comment: This sequence change replaces leucine, which is neutral and non-polar, with serine, which is neutral and polar, at codon 78 of the PGK1 protein (p.Leu78Ser). The frequency data for this variant in the population databases is considered unreliable, as metrics indicate poor data quality at this position in the gnomAD database. This variant has not been reported in the literature in individuals affected with PGK1-related conditions. Advanced modeling of protein sequence and biophysical properties (such as structural, functional, and spatial information, amino acid conservation, physicochemical variation, residue mobility, and thermodynamic stability) performed at Invitae indicates that this missense variant is expected to disrupt PGK1 protein function with a positive predictive value of 80%. In summary, the available evidence is currently insufficient to determine the role of this variant in disease. Therefore, it has been classified as a Variant of Uncertain Significance.

NM_000291.4(PGK1):c.233T>C (p.Leu78Ser)

Gene: PGK1 (phosphoglycerate kinase 1; plus strand). Cytogenetic location: Xq21.1.
Variant type: single nucleotide variant.
Coding change: c.233T>C on transcript NM_000291.4 (MANE Select); coding-DNA position 233, T replaced by C.
Protein change: p.Leu78Ser; replaces leucine 78 with serine.
Molecular consequence: missense variant.
Genome position (GRCh38, 1-based): chrX:78,113,860, T>C. VCF-style: chrX-78113860-T-C. GRCh37 (hg19) VCF-style: chrX-77369357-T-C.
Other names: short protein forms L78S.
Identifiers: ClinVar variation 3677851 (VCV003677851.2).
Genomic context (GRCh38, chrX:78,113,860, plus strand): 5'-TAGTCCTTATGAGCCACCTAGGCCGGCCTGATGGTGTGCCCATGCCTGACAAGTACTCCT[T>C]AGAGCCAGTTGCTGTAGAACTCAAATCTCTGCTGGGCAAGTAAGTGCCAGGCTCTGGTGC-3'
Protein context (NP_000282.1, residues 68-88): DGVPMPDKYS[Leu78Ser]EPVAVELKSL